The following is an entry in ClinVar:

ClinVar aggregate classification (germline): Uncertain significance (1 of 4 stars; one submission).

gnomAD v4.1: 12 of 1,612,610 alleles (0.00074%); highest among the groups gnomAD compares: Admixed American, 0.0017%; no homozygotes.

Submission:

GeneDx
Classification: Uncertain significance. Last evaluated: 2025-04-16. Review status: criteria provided, single submitter. Criteria: GeneDx Variant Classification Process June 2021. Collection method: clinical testing. Allele origin: germline. Affected: yes.
Comment: Not observed at significant frequency in large population cohorts (gnomAD); Has not been previously published as pathogenic or benign to our knowledge

NM_001081.4(CUBN):c.2112G>A (p.Ser704=)

Gene: CUBN (cubilin; minus strand). Cytogenetic location: 10p13.
Variant type: single nucleotide variant.
Coding change: c.2112G>A on transcript NM_001081.4 (MANE Select); coding-DNA position 2112, G replaced by A.
Protein change: p.Ser704=; no amino-acid change (serine 704 retained).
Molecular consequence: synonymous variant.
Genome position (GRCh38, 1-based): chr10:17,084,460, C>T on the plus strand (G>A on the coding strand, the complement: CUBN is on the minus strand). VCF-style: chr10-17084460-C-T. GRCh37 (hg19) VCF-style: chr10-17126459-C-T.
Identifiers: ClinVar variation 4282063 (VCV004282063.1).
Genomic context (GRCh38, chr10:17,084,460, plus strand): 5'-CAACTCAGGCAAGAAGAGTTCACCCTCTGGGTCCGTGTAGTTCCCACCACAACGCAGATC[C>T]GCTAAGAACAGGGAAGAGACGAACAGGTCATGGCAATGGCATTGCTCTGGCTTGCAGGCA-3'
Protein context (NP_001072.2, residues 694-714): GFHITYLTSP[Ser704=]DLRCGGNYTD